The following is an entry in ClinVar:

NM_001197104.2(KMT2A):c.5382C>T (p.Asn1794=)

Gene: KMT2A (lysine methyltransferase 2A; plus strand). Cytogenetic location: 11q23.3.
Variant type: single nucleotide variant.
Coding change: c.5382C>T on transcript NM_001197104.2 (MANE Select); coding-DNA position 5382, C replaced by T.
Protein change: p.Asn1794=; no amino-acid change (asparagine 1794 retained).
Molecular consequence: synonymous variant.
Genome position (GRCh38, 1-based): chr11:118,495,718, C>T. VCF-style: chr11-118495718-C-T. GRCh37 (hg19) VCF-style: chr11-118366433-C-T.
Other names: c.5472C>T, p.Asn1824= (NM_001412597.1); c.5373C>T, p.Asn1791= (NM_005933.4).
Identifiers: ClinVar variation 1905993 (VCV001905993.11), dbSNP rs187372921, ClinGen allele CA6304043.

ClinVar aggregate classification (germline): Likely benign. Review status: criteria provided, multiple submitters, no conflicts (2 of 4 stars). 2 submissions from 2 submitters: Likely benign (2). Last evaluated 2025-11-01.

Allele frequency attached by ClinVar (database versions not stated): TOPMed below 0.00001; gnomAD exomes 0.00001; ExAC 0.00002; gnomAD 0.00003; 1000 Genomes Project 30x 0.00031.
gnomAD v4.1: 19 of 1,611,420 alleles (0.0012%); highest among the groups gnomAD compares: African/African-American, 0.0093%; no homozygotes.

Submissions (2):

CeGaT Center for Human Genetics Tuebingen
Classification: Likely benign. Last evaluated: 2025-11-01. Review status: criteria provided, single submitter. Criteria: CeGaT Center For Human Genetics Tuebingen Variant Classification Criteria Version 2. Collection method: clinical testing. Allele origin: germline. Affected: yes. Observed: 1 variant allele.
Comment: KMT2A: BP4, BP7

Labcorp Genetics (formerly Invitae), Labcorp
Classification: Likely benign. Last evaluated: 2025-09-16. Review status: criteria provided, single submitter. Criteria: Invitae Variant Classification Sherloc (09022015). Collection method: clinical testing. Allele origin: germline.